The following is an entry in ClinVar:

ClinVar aggregate classification (germline): Pathogenic/Likely pathogenic. Review status: criteria provided, multiple submitters, no conflicts (2 of 4 stars). 3 submissions from 3 submitters: Pathogenic (1); Likely pathogenic (1). 1 of the submissions does not count toward it. Last evaluated 2026-01-18.

Conditions:
Combined deficiency of sialidase AND beta galactosidase (GSL). Also called: Galactosialidosis; CATHEPSIN A DEFICIENCY; NEURAMINIDASE DEFICIENCY WITH BETA-GALACTOSIDASE DEFICIENCY; NEURAMINIDASE/BETA-GALACTOSIDASE EXPRESSION; PPCA DEFICIENCY; PROTECTIVE PROTEIN/CATHEPSIN A DEFICIENCY. Identifiers: Orphanet 351, MedGen C0268233, MONDO:0009737, OMIM 256540.

Allele frequency attached by ClinVar (database versions not stated): gnomAD exomes 0.00001.

Submissions (3):

Labcorp Genetics (formerly Invitae), Labcorp
Classification: Pathogenic for Combined deficiency of sialidase AND beta galactosidase. Last evaluated: 2026-01-18. Review status: criteria provided, single submitter. Criteria: Invitae Variant Classification Sherloc (09022015). Collection method: clinical testing. Allele origin: germline.
Comment: This sequence change replaces tyrosine, which is neutral and polar, with cysteine, which is neutral and slightly polar, at codon 413 of the CTSA protein (p.Tyr413Cys). This variant is not present in population databases (gnomAD no frequency). This missense change has been observed in individual(s) with autosomal recessive-galactosialidosis (PMID: 8514852, 9636645). It has also been observed to segregate with disease in related individuals. This variant is also known as Y395C, Y396C. ClinVar contains an entry for this variant (Variation ID: 380). Invitae Evidence Modeling of protein sequence and biophysical properties (such as structural, functional, and spatial information, amino acid conservation, physicochemical variation, residue mobility, and thermodynamic stability) indicates that this missense variant is expected to disrupt CTSA protein function with a positive predictive value of 80%. For these reasons, this variant has been classified as Pathogenic.

GeneDx
Classification: Likely pathogenic. Last evaluated: 2024-06-26. Review status: criteria provided, single submitter. Criteria: GeneDx Variant Classification Process June 2021. Collection method: clinical testing. Allele origin: germline. Affected: yes.
Comment: Published functional studies demonstrate a damaging effect (PMID: 10333491, 8514852); In silico analysis supports that this missense variant has a deleterious effect on protein structure/function; Not observed at significant frequency in large population cohorts (gnomAD); Also known as c.1184A>G; p.(Y395C); This variant is associated with the following publications: (PMID: 9435242, 23915561, 8514852, 10333491, 32369273, 9636645)

OMIM
Classification: Pathogenic for GALACTOSIALIDOSIS. Last evaluated: 1993-06-01. Review status: no assertion criteria provided. Collection method: literature only. Allele origin: germline. Not counted in ClinVar's aggregate classification.

Literature cited by the submitters: PubMed 8514852 (cited by Labcorp Genetics (formerly Invitae), Labcorp and OMIM); PubMed 9636645 (cited by Labcorp Genetics (formerly Invitae), Labcorp); Fukuhara, Y., Takano, T., Shimmoto, M., Oshima, A., Takeda, E., Kuroda, Y., Sakuraba, H., Suzuki, Y. A new point mutation of protective protein gene in two Japanese siblings with juvenile galactosialidosis. Brain Dysfunction 5: 319-325, 1992. (cited by OMIM).

NM_000308.4(CTSA):c.1184A>G (p.Tyr395Cys)

Gene: CTSA (cathepsin A; plus strand). Cytogenetic location: 20q13.12.
Variant type: single nucleotide variant.
Coding change: c.1184A>G on transcript NM_000308.4 (MANE Select); coding-DNA position 1184, A replaced by G.
Protein change: p.Tyr395Cys; replaces tyrosine 395 with cysteine.
Molecular consequence: missense variant. On other transcripts: non-coding transcript variant (1).
Genome position (GRCh38, 1-based): chr20:45,897,736, A>G. VCF-style: chr20-45897736-A-G. GRCh37 (hg19) VCF-style: chr20-44526375-A-G.
Other names: c.1184A>G, p.Tyr395Cys (NM_001127695.3); c.1133A>G, p.Tyr378Cys (NM_001167594.3); c.1238A>G (NM_000308.2); short protein forms Y395C, Y378C.
Identifiers: ClinVar variation 380 (VCV000000380.5), dbSNP rs137854543, ClinGen allele CA114213.